The following is an entry in ClinVar:

ClinVar aggregate classification (germline): Uncertain significance (1 of 4 stars; one submission).

Submission:

Labcorp Genetics (formerly Invitae), Labcorp
Classification: Uncertain significance. Last evaluated: 2024-08-23. Review status: criteria provided, single submitter. Criteria: Invitae Variant Classification Sherloc (09022015). Collection method: clinical testing. Allele origin: germline.
Comment: This sequence change replaces valine, which is neutral and non-polar, with leucine, which is neutral and non-polar, at codon 21 of the IHH protein (p.Val21Leu). This variant is present in population databases (no rsID available, gnomAD 0.0009%). This variant has not been reported in the literature in individuals affected with IHH-related conditions. Invitae Evidence Modeling of protein sequence and biophysical properties (such as structural, functional, and spatial information, amino acid conservation, physicochemical variation, residue mobility, and thermodynamic stability) indicates that this missense variant is not expected to disrupt IHH protein function with a negative predictive value of 80%. In summary, the available evidence is currently insufficient to determine the role of this variant in disease. Therefore, it has been classified as a Variant of Uncertain Significance.

NM_002181.4(IHH):c.61G>C (p.Val21Leu)

Gene: IHH (Indian hedgehog signaling molecule; minus strand). Cytogenetic location: 2q35.
Variant type: single nucleotide variant.
Coding change: c.61G>C on transcript NM_002181.4 (MANE Select); coding-DNA position 61, G replaced by C.
Protein change: p.Val21Leu; replaces valine 21 with leucine.
Molecular consequence: missense variant.
Genome position (GRCh38, 1-based): chr2:219,060,407, C>G on the plus strand (G>C on the coding strand, the complement: IHH is on the minus strand). VCF-style: chr2-219060407-C-G. GRCh37 (hg19) VCF-style: chr2-219925129-C-G.
Other names: short protein forms V21L.
Identifiers: ClinVar variation 3719582 (VCV003719582.2).
Genomic context (GRCh38, chr2:219,060,407, plus strand): 5'-GCGGTCGCCGGCGGCTGCCCACCACCCGACCCGGCCCGCAGCCCCATGCCGCCGGCACCA[C>G]CAGCAGCAGCAACAGGACCAGGCAGAAGTGCAGTCGGGGCCGGAGCCGGGCGGGAGACAT-3'
Protein context (NP_002172.2, residues 11-31): HFCLVLLLLL[Val21Leu]VPAAWGCGPG